The following is an entry in ClinVar:

ClinVar aggregate classification (germline): Uncertain significance. Review status: criteria provided, multiple submitters, no conflicts (2 of 4 stars). 3 submissions from 3 submitters: Uncertain significance (3). Last evaluated 2024-04-15.

Conditions:
Autosomal recessive Robinow syndrome (RRS1). Also called: ROR2-Related Robinow Syndrome; COSTOVERTEBRAL SEGMENTATION DEFECT WITH MESOMELIA; COVESDEM SYNDROME; ROBINOW SYNDROME, AUTOSOMAL RECESSIVE 1. Identifiers: Orphanet 1507, Orphanet 97360, MedGen C5399974, MONDO:0009999, OMIM 268310.
Brachydactyly type B1 (BDB1). Identifiers: Orphanet 572385, Orphanet 93383, MedGen C1862112, MONDO:0007220, OMIM 113000.
Inborn genetic diseases. Identifiers: MedGen C0950123, MeSH D030342.

Allele frequency attached by ClinVar (database versions not stated): gnomAD exomes 0.00002 and 0.00007; ExAC 0.00003; gnomAD 0.00004; ESP Exome Variant Server 0.00008; TOPMed 0.00008.
gnomAD v4.1: 102 of 1,601,786 alleles (0.0064%); highest among the groups gnomAD compares: Non-Finnish European, 0.0084%; no homozygotes.

Submissions (3):

Labcorp Genetics (formerly Invitae), Labcorp
Classification: Uncertain significance. Last evaluated: 2024-04-15. Review status: criteria provided, single submitter. Criteria: Invitae Variant Classification Sherloc (09022015). Collection method: clinical testing. Allele origin: germline.
Comment: This sequence change replaces threonine, which is neutral and polar, with alanine, which is neutral and non-polar, at codon 544 of the ROR2 protein (p.Thr544Ala). This variant is present in population databases (rs374811924, gnomAD 0.005%). This variant has not been reported in the literature in individuals affected with ROR2-related conditions. ClinVar contains an entry for this variant (Variation ID: 1062154). Advanced modeling of protein sequence and biophysical properties (such as structural, functional, and spatial information, amino acid conservation, physicochemical variation, residue mobility, and thermodynamic stability) performed at Invitae indicates that this missense variant is not expected to disrupt ROR2 protein function with a negative predictive value of 80%. In summary, the available evidence is currently insufficient to determine the role of this variant in disease. Therefore, it has been classified as a Variant of Uncertain Significance.

Fulgent Genetics
Classification: Uncertain significance for Brachydactyly type B1; Autosomal recessive Robinow syndrome. Last evaluated: 2024-01-10. Review status: criteria provided, single submitter. Criteria: ACMG Guidelines, 2015. Collection method: clinical testing. Allele origin: germline.

Ambry Genetics
Classification: Uncertain significance for Inborn genetic diseases. Last evaluated: 2022-12-06. Review status: criteria provided, single submitter. Criteria: Ambry Variant Classification Scheme 2023. Collection method: clinical testing. Allele origin: germline.

NM_004560.4(ROR2):c.1630A>G (p.Thr544Ala)

Gene: ROR2 (receptor tyrosine kinase like orphan receptor 2; minus strand). Cytogenetic location: 9q22.31.
Variant type: single nucleotide variant.
Coding change: c.1630A>G on transcript NM_004560.4 (MANE Select); coding-DNA position 1630, A replaced by G.
Protein change: p.Thr544Ala; replaces threonine 544 with alanine.
Molecular consequence: missense variant.
Genome position (GRCh38, 1-based): chr9:91,724,864, T>C on the plus strand (A>G on the coding strand, the complement: ROR2 is on the minus strand). VCF-style: chr9-91724864-T-C. GRCh37 (hg19) VCF-style: chr9-94487146-T-C.
Other names: c.1630A>G (NM_004560.3); short protein forms T544A.
Identifiers: ClinVar variation 1062154 (VCV001062154.12), dbSNP rs374811924, ClinGen allele CA5120625.